The following is an entry in ClinVar:

ClinVar aggregate classification (germline): Uncertain significance (1 of 4 stars; one submission).

Submission:

CeGaT Center for Human Genetics Tuebingen
Classification: Uncertain significance. Last evaluated: 2026-07-01. Review status: criteria provided, single submitter. Criteria: CeGaT Center For Human Genetics Tuebingen Variant Classification Criteria Version 2. Collection method: clinical testing. Allele origin: germline. Affected: yes. Observed: 1 variant allele.
Comment: GNAI3: PM2

NM_006496.4(GNAI3):c.850A>G (p.Thr284Ala)

Gene: GNAI3 (G protein subunit alpha i3; plus strand). Cytogenetic location: 1p13.3.
Variant type: single nucleotide variant.
Coding change: c.850A>G on transcript NM_006496.4 (MANE Select); coding-DNA position 850, A replaced by G.
Protein change: p.Thr284Ala; replaces threonine 284 with alanine.
Molecular consequence: missense variant.
Genome position (GRCh38, 1-based): chr1:109,586,858, A>G. VCF-style: chr1-109586858-A-G. GRCh37 (hg19) VCF-style: chr1-110129480-A-G.
Other names: short protein forms T284A.
Identifiers: ClinVar variation 5040094 (VCV005040094.1).
Genomic context (GRCh38, chr1:109,586,858, plus strand): 5'-ATCATTCTCTTCCTTAACAAGAAAGACCTTTTTGAGGAAAAAATAAAGAGGAGTCCGTTA[A>G]CTATCTGTTATCCAGAATACACAGGTAAGGGGTTATGAAAGATTTTATTGGAGGTACACA-3'
Protein context (NP_006487.1, residues 274-294): FEEKIKRSPL[Thr284Ala]ICYPEYTGSN